The following is an entry in ClinVar:

ClinVar aggregate classification (germline): Likely benign (1 of 4 stars; one submission).

Allele frequency attached by ClinVar (database versions not stated): gnomAD 0.00005 and 0.00006; TOPMed 0.00005; ExAC 0.00007; gnomAD exomes 0.00007 and 0.00009; ESP Exome Variant Server 0.00008.
gnomAD v4.1: 116 of 1,613,722 alleles (0.0072%); highest among the groups gnomAD compares: Middle Eastern, 0.033%; no homozygotes.

Submission:

CeGaT Center for Human Genetics Tuebingen
Classification: Likely benign. Last evaluated: 2023-01-01. Review status: criteria provided, single submitter. Criteria: CeGaT Center For Human Genetics Tuebingen Variant Classification Criteria Version 2. Collection method: clinical testing. Allele origin: germline. Affected: yes. Observed: 2 variant alleles.
Comment: RERE: BP4, BP7

NM_001042681.2(RERE):c.2133G>A (p.Thr711=)

Gene: RERE (arginine-glutamic acid dipeptide repeats; minus strand). Cytogenetic location: 1p36.23.
Variant type: single nucleotide variant.
Coding change: c.2133G>A on transcript NM_001042681.2 (MANE Select); coding-DNA position 2133, G replaced by A.
Protein change: p.Thr711=; no amino-acid change (threonine 711 retained).
Molecular consequence: synonymous variant.
Genome position (GRCh38, 1-based): chr1:8,361,374, C>T on the plus strand (G>A on the coding strand, the complement: RERE is on the minus strand). VCF-style: chr1-8361374-C-T. GRCh37 (hg19) VCF-style: chr1-8421434-C-T.
Other names: c.471G>A, p.Thr157= (NM_001042682.2); c.2133G>A, p.Thr711= (NM_012102.4).
Identifiers: ClinVar variation 1694489 (VCV001694489.31), dbSNP rs368487283, ClinGen allele CA571438.
Genomic context (GRCh38, chr1:8,361,374, plus strand): 5'-CTGCTGGGCTGACGAGTCCGAGTCACTCTCATTGTCCTGGGGGCTGGGGATGCTCGGGGA[C>T]GTGCTGCGATTGTCCTGGTCGATGTCTTTGGGGTCACTGCTACCCTCATCGTTGACGCTG-3'
Protein context (NP_001036146.1, residues 701-721): PKDIDQDNRS[Thr711=]SPSIPSPQDN